The following is an entry in ClinVar:

ClinVar aggregate classification (germline): Pathogenic (1 of 4 stars; one submission).

Submission:

Labcorp Genetics (formerly Invitae), Labcorp
Classification: Pathogenic. Last evaluated: 2023-05-04. Review status: criteria provided, single submitter. Criteria: Invitae Variant Classification Sherloc (09022015). Collection method: clinical testing. Allele origin: germline.
Comment: For these reasons, this variant has been classified as Pathogenic. This variant disrupts a region of the SLC34A3 protein in which other variant(s) (p.Gly196Arg) have been determined to be pathogenic (PMID: 16358214, 18523928, 22159077, 26789268). This suggests that this is a clinically significant region of the protein, and that variants that disrupt it are likely to be disease-causing. This variant has not been reported in the literature in individuals affected with SLC34A3-related conditions. This variant is a gross deletion of the genomic region encompassing exon(s) 7-13 of the SLC34A3 gene, which includes the termination codon. This deletion extends beyond the assayed region for this gene and therefore may encompass additional genes. While this deletion is not anticipated to lead to nonsense mediated decay, it is expected to alter mRNA translation or result in a truncated protein product.

Literature cited by the submitters: PubMed 16358214; PubMed 18523928; PubMed 22159077; PubMed 26789268.

NC_000009.11:g.(?_140127661)_(140130868_?)del

Gene: SLC34A3 (solute carrier family 34 member 3; plus strand). Cytogenetic location: 9q34.3.
Variant type: Deletion.
Identifiers: ClinVar variation 1066820 (VCV001066820.7).